The following is an entry in ClinVar:

ClinVar aggregate classification (germline): Conflicting classifications of pathogenicity. Review status: criteria provided, conflicting classifications (1 of 4 stars). 5 submissions from 5 submitters: Uncertain significance (3); Likely benign (2). Last evaluated 2026-09-08.

Conditions:
AARS1-related disorder. Also called: AARS1-related condition.
Inborn genetic diseases. Identifiers: MedGen C0950123, MeSH D030342.
Charcot-Marie-Tooth disease. Also called: Charcot-Marie-Tooth Neuropathy; Charcot-Marie-Tooth Hereditary Neuropathy. Identifiers: Orphanet 166, MedGen C0007959, MONDO:0015626.
Charcot-Marie-Tooth disease type 2. Also called: Charcot-Marie-Tooth type 2. Identifiers: Orphanet 64746, MedGen C0270914, MONDO:0018993.
Charcot-Marie-Tooth disease axonal type 2N (CMT2N). Also called: Charcot-Marie-Tooth Neuropathy Type 2N; CHARCOT-MARIE-TOOTH DISEASE, AXONAL, AUTOSOMAL DOMINANT, TYPE 2N; CHARCOT-MARIE-TOOTH NEUROPATHY, AXONAL, TYPE 2N. Identifiers: Orphanet 228174, MedGen C2750090, MONDO:0013212, OMIM 613287.

Allele frequency attached by ClinVar (database versions not stated): gnomAD exomes 0.00005 and 0.00006; ExAC 0.00006; gnomAD 0.00009 and 0.00010; TOPMed 0.00012; ESP Exome Variant Server 0.00015; 1000 Genomes Project 30x 0.00016; 1000 Genomes Project 0.00020.
gnomAD v4.1: 97 of 1,613,780 alleles (0.006%); highest among the groups gnomAD compares: African/African-American, 0.043%; no homozygotes.

Submissions (5):

PreventionGenetics, part of Exact Sciences
Classification: Uncertain significance for AARS1-related condition. Last evaluated: 2026-09-08. Review status: criteria provided, single submitter. Criteria: ACMG Guidelines, 2015. Collection method: clinical testing. Allele origin: germline.
Comment: The AARS1 c.1253A>G variant is predicted to result in the amino acid substitution p.Tyr418Cys. This variant has reported in an individual with Charcot-Marie-Tooth disease (Table S2, Volodarsky et al. 2021. PubMed ID: 32376792). However, this variant is reported in 0.044% of alleles in individuals of African descent in gnomAD, which is likely too common for a highly penetrant cause of autosomal dominant disorder. Although we suspect that this variant may be benign, at this time, the clinical significance of this variant is uncertain due to the absence of conclusive functional and genetic evidence.

Labcorp Genetics (formerly Invitae), Labcorp
Classification: Likely benign for Charcot-Marie-Tooth disease type 2. Last evaluated: 2026-01-12. Review status: criteria provided, single submitter. Criteria: Invitae Variant Classification Sherloc (09022015). Collection method: clinical testing. Allele origin: germline.

Ambry Genetics
Classification: Likely benign for Inborn genetic diseases. Last evaluated: 2020-03-19. Review status: criteria provided, single submitter. Criteria: Ambry Variant Classification Scheme 2023. Collection method: clinical testing. Allele origin: germline.

Illumina Laboratory Services, Illumina
Classification: Uncertain significance for Charcot-Marie-Tooth disease axonal type 2N. Last evaluated: 2018-01-12. Review status: criteria provided, single submitter. Criteria: ICSL Variant Classification Criteria 13 December 2019. Collection method: clinical testing. Allele origin: germline.

Molecular Genetics Laboratory, London Health Sciences Centre
Classification: Uncertain significance for Charcot-Marie-Tooth disease. Review status: criteria provided, single submitter. Criteria: ACMG Guidelines, 2015. Collection method: clinical testing. Allele origin: germline. Affected: yes.

NM_001605.3(AARS1):c.1253A>G (p.Tyr418Cys)

Gene: AARS1 (alanyl-tRNA synthetase 1; minus strand). Cytogenetic location: 16q22.1.
Variant type: single nucleotide variant.
Coding change: c.1253A>G on transcript NM_001605.3 (MANE Select); coding-DNA position 1253, A replaced by G.
Protein change: p.Tyr418Cys; replaces tyrosine 418 with cysteine.
Molecular consequence: missense variant.
Genome position (GRCh38, 1-based): chr16:70,265,632, T>C on the plus strand (A>G on the coding strand, the complement: AARS1 is on the minus strand). VCF-style: chr16-70265632-T-C. GRCh37 (hg19) VCF-style: chr16-70299535-T-C.
Other names: short protein forms Y418C.
Identifiers: ClinVar variation 320344 (VCV000320344.14), dbSNP rs147433234, ClinGen allele CA8140863.